The following is an entry in ClinVar:

NR_002825.2(SIGLEC16):n.710G>A

Gene: SIGLEC16 (sialic acid binding Ig like lectin 16 (gene/pseudogene); plus strand). Cytogenetic location: 19q13.33.
Variant type: single nucleotide variant.
Molecular consequence: synonymous variant (on NM_001348364.2). On other transcripts: non-coding transcript variant (1).
Genome position: GRCh38 VCF-style: chr19-49970510-G-A. GRCh37 (hg19) VCF-style: chr19-50473767-G-A.
Other names: c.612G>A, p.Thr204= (NM_001348364.2).
Identifiers: ClinVar variation 2650296 (VCV002650296.24), dbSNP rs574891899, ClinGen allele CA9590430.
Genomic context (GRCh38, chr19:49,970,510, plus strand): 5'-TGCCCTCTCCCCTAGAAGAACCAGACCAAGCACCTCCCACTTCTCAGTGCTCAGCTTCAC[G>A]CCCAGCCCCCAGGACCACGACACCGACCTCACCTGCCATGTGGACTTCTCCAGAAAGGGT-3'

ClinVar aggregate classification (germline): Likely benign (1 of 4 stars; one submission).

Allele frequency attached by ClinVar (database versions not stated): 1000 Genomes Project 0.00100; ExAC 0.00236.

Submission:

CeGaT Center for Human Genetics Tuebingen
Classification: Likely benign. Last evaluated: 2022-03-01. Review status: criteria provided, single submitter. Criteria: CeGaT Center For Human Genetics Tuebingen Variant Classification Criteria Version 2. Collection method: clinical testing. Allele origin: germline. Affected: yes. Observed: 1 variant allele.
Comment: SIGLEC16: BP4, BP7